The following is an entry in ClinVar:

NM_033026.6(PCLO):c.11276G>A (p.Arg3759Gln)

Gene: PCLO (piccolo presynaptic cytomatrix protein; minus strand). Cytogenetic location: 7q21.11.
Variant type: single nucleotide variant.
Coding change: c.11276G>A on transcript NM_033026.6 (MANE Select); coding-DNA position 11276, G replaced by A.
Protein change: p.Arg3759Gln; replaces arginine 3759 with glutamine.
Molecular consequence: missense variant.
Genome position (GRCh38, 1-based): chr7:82,916,710, C>T on the plus strand (G>A on the coding strand, the complement: PCLO is on the minus strand). VCF-style: chr7-82916710-C-T. GRCh37 (hg19) VCF-style: chr7-82546026-C-T.
Other names: c.11276G>A, p.Arg3759Gln (NM_014510.3); short protein forms R3759Q.
Identifiers: ClinVar variation 3903203 (VCV003903203.1).
Genomic context (GRCh38, chr7:82,916,710, plus strand): 5'-TTTGCAGACTCCCTTTCCACAAGATCAAGCTCTCTGTCTATGTCCTGGAGAATCTTGGCT[C>T]GTGCCATTGTGTTGGTTCTGCAGATCCTTCTCCTGGAAACTGTGCCCATTGTGCTGAATG-3'
Protein context (NP_149015.2, residues 3749-3769): RRICRTNTMA[Arg3759Gln]AKILQDIDRE

ClinVar aggregate classification (germline): Uncertain significance (1 of 4 stars; one submission).

Submission:

GeneDx
Classification: Uncertain significance. Last evaluated: 2024-04-12. Review status: criteria provided, single submitter. Criteria: GeneDx Variant Classification Process June 2021. Collection method: clinical testing. Allele origin: germline. Affected: yes.
Comment: Not observed at significant frequency in large population cohorts (gnomAD); In silico analysis supports that this missense variant has a deleterious effect on protein structure/function; Has not been previously published as pathogenic or benign to our knowledge; Variants in candidate genes are classified as variants of uncertain significance in accordance with ACMG guidelines (PMID: 25741868)